The following is an entry in ClinVar:

ClinVar aggregate classification (germline): Uncertain significance (1 of 4 stars; one submission).

Submission:

Labcorp Genetics (formerly Invitae), Labcorp
Classification: Uncertain significance. Last evaluated: 2022-09-01. Review status: criteria provided, single submitter. Criteria: Invitae Variant Classification Sherloc (09022015). Collection method: clinical testing. Allele origin: germline.
Comment: This sequence change replaces aspartic acid, which is acidic and polar, with asparagine, which is neutral and polar, at codon 35 of the ERCC8 protein (p.Asp35Asn). This variant is present in population databases (no rsID available, gnomAD 0.003%). This variant has not been reported in the literature in individuals affected with ERCC8-related conditions. Algorithms developed to predict the effect of missense changes on protein structure and function (SIFT, PolyPhen-2, Align-GVGD) all suggest that this variant is likely to be tolerated. In summary, the available evidence is currently insufficient to determine the role of this variant in disease. Therefore, it has been classified as a Variant of Uncertain Significance.

NM_000082.4(ERCC8):c.103G>A (p.Asp35Asn)

Gene: ERCC8 (ERCC excision repair 8, CSA ubiquitin ligase complex subunit; minus strand). Cytogenetic location: 5q12.1.
Variant type: single nucleotide variant.
Coding change: c.103G>A on transcript NM_000082.4 (MANE Select); coding-DNA position 103, G replaced by A.
Protein change: p.Asp35Asn; replaces aspartic acid 35 with asparagine.
Molecular consequence: missense variant. On other transcripts: 5 prime UTR variant (2).
Genome position (GRCh38, 1-based): chr5:60,928,934, C>T on the plus strand (G>A on the coding strand, the complement: ERCC8 is on the minus strand). VCF-style: chr5-60928934-C-T. GRCh37 (hg19) VCF-style: chr5-60224761-C-T.
Other names: c.-290G>A (NM_001007233.3); c.103G>A, p.Asp35Asn (NM_001007234.3); c.-275G>A (NM_001290285.2); short protein forms D35N.
Identifiers: ClinVar variation 1980097 (VCV001980097.1), dbSNP rs1475831394, ClinGen allele CA359828822.